The following is an entry in ClinVar:

ClinVar aggregate classification (germline): Uncertain significance (1 of 4 stars; one submission).

Allele frequency attached by ClinVar (database versions not stated): ExAC 0.00001; gnomAD 0.00001; gnomAD exomes 0.00001; TOPMed 0.00001.

Submission:

Labcorp Genetics (formerly Invitae), Labcorp
Classification: Uncertain significance. Last evaluated: 2020-12-24. Review status: criteria provided, single submitter. Criteria: Invitae Variant Classification Sherloc (09022015). Collection method: clinical testing. Allele origin: germline.
Comment: In summary, the available evidence is currently insufficient to determine the role of this variant in disease. Therefore, it has been classified as a Variant of Uncertain Significance. Algorithms developed to predict the effect of missense changes on protein structure and function are either unavailable or do not agree on the potential impact of this missense change (SIFT: "Deleterious"; PolyPhen-2: "Probably Damaging"; Align-GVGD: "Class C0"). This variant has not been reported in the literature in individuals with RNF31-related conditions. This variant is present in population databases (rs750888442, ExAC 0.002%). This sequence change replaces arginine with cysteine at codon 255 of the RNF31 protein (p.Arg255Cys). The arginine residue is moderately conserved and there is a large physicochemical difference between arginine and cysteine.

NM_017999.5(RNF31):c.763C>T (p.Arg255Cys)

Gene: RNF31 (ring finger protein 31; plus strand). Cytogenetic location: 14q12.
Variant type: single nucleotide variant.
Coding change: c.763C>T on transcript NM_017999.5 (MANE Select); coding-DNA position 763, C replaced by T.
Protein change: p.Arg255Cys; replaces arginine 255 with cysteine.
Molecular consequence: missense variant.
Genome position (GRCh38, 1-based): chr14:24,149,537, C>T. VCF-style: chr14-24149537-C-T. GRCh37 (hg19) VCF-style: chr14-24618746-C-T.
Other names: c.310C>T, p.Arg104Cys (NM_001310332.2); short protein forms R255C, R104C.
Identifiers: ClinVar variation 1445738 (VCV001445738.8), dbSNP rs750888442, ClinGen allele CA7125610.